The following is an entry in ClinVar:

NM_001367873.1(SOX6):c.368G>A (p.Arg123His)

Gene: SOX6 (SRY-box transcription factor 6; minus strand). Cytogenetic location: 11p15.2.
Variant type: single nucleotide variant.
Coding change: c.368G>A on transcript NM_001367873.1 (MANE Select); coding-DNA position 368, G replaced by A.
Protein change: p.Arg123His; replaces arginine 123 with histidine.
Molecular consequence: missense variant.
Genome position (GRCh38, 1-based): chr11:16,318,523, C>T on the plus strand (G>A on the coding strand, the complement: SOX6 is on the minus strand). VCF-style: chr11-16318523-C-T. GRCh37 (hg19) VCF-style: chr11-16340069-C-T.
Other names: c.368G>A, p.Arg123His (NM_001145811.2, NM_001145819.2, NM_001367872.1 and 2 more transcripts); short protein forms R123H.
Identifiers: ClinVar variation 4882588 (VCV004882588.2).

ClinVar aggregate classification (germline): Uncertain significance (1 of 4 stars; one submission).

gnomAD v4.1: 2 of 1,613,644 alleles (0.00012%); highest among the groups gnomAD compares: East Asian, 0.0022%; no homozygotes.

Submission:

Dasa
Classification: Uncertain significance. Last evaluated: 2025-06-04. Review status: criteria provided, single submitter. Criteria: DASA Assertion Criteria. Collection method: clinical testing. Allele origin: germline.
Comment: NM_001367873.1(SOX6):c.368G>A (p.Arg123His) is a missense variant that results in the substitution of arginine with histidine. This variant is rare in population databases. Computational prediction algorithms are consistent with a deleterious effect. The currently available literature and clinical evidence are not sufficient to establish a definitive association between this variant and the reported condition. Therefore, this variant is classified as a variant of uncertain significance.